The following is an entry in ClinVar:

ClinVar aggregate classification (germline): Uncertain significance (1 of 4 stars; one submission).

Submission:

Ambry Genetics
Classification: Uncertain significance. Last evaluated: 2021-10-05. Review status: criteria provided, single submitter. Criteria: Ambry Variant Classification Scheme 2023. Collection method: clinical testing. Allele origin: germline.
Comment: The p.S1326N variant (also known as c.3977G>A), located in coding exon 8 of the MLH3 gene, results from a G to A substitution at nucleotide position 3977. The serine at codon 1326 is replaced by asparagine, an amino acid with highly similar properties. This amino acid position is conserved. In addition, this alteration is predicted to be tolerated by in silico analysis. Since supporting evidence is limited at this time, the clinical significance of this alteration remains unclear.

NM_001040108.2(MLH3):c.3977G>A (p.Ser1326Asn)

Gene: MLH3 (mutL homolog 3; minus strand). Cytogenetic location: 14q24.3.
Variant type: single nucleotide variant.
Coding change: c.3977G>A on transcript NM_001040108.2 (MANE Select); coding-DNA position 3977, G replaced by A.
Protein change: p.Ser1326Asn; replaces serine 1326 with asparagine.
Molecular consequence: missense variant.
Genome position (GRCh38, 1-based): chr14:75,030,553, C>T on the plus strand (G>A on the coding strand, the complement: MLH3 is on the minus strand). VCF-style: chr14-75030553-C-T. GRCh37 (hg19) VCF-style: chr14-75497256-C-T.
Other names: c.3905G>A, p.Ser1302Asn (NM_014381.3); short protein forms S1302N, S1326N.
Identifiers: ClinVar variation 1736656 (VCV001736656.2), dbSNP rs2503116467, ClinGen allele CA390422440.